The following is an entry in ClinVar:

NM_012330.4(KAT6B):c.643A>G (p.Ile215Val)

Gene: KAT6B (lysine acetyltransferase 6B; plus strand). Cytogenetic location: 10q22.2.
Variant type: single nucleotide variant.
Coding change: c.643A>G on transcript NM_012330.4 (MANE Select); coding-DNA position 643, A replaced by G.
Protein change: p.Ile215Val; replaces isoleucine 215 with valine.
Molecular consequence: missense variant. On other transcripts: synonymous variant (2).
Genome position (GRCh38, 1-based): chr10:74,959,991, A>G. VCF-style: chr10-74959991-A-G. GRCh37 (hg19) VCF-style: chr10-76719749-A-G.
Other names: c.643A>G, p.Ile215Val (NM_001256468.2, NM_001256469.2, NM_001370132.1 and 10 more transcripts); c.105A>G, p.Gln35= (NM_001370134.1, NM_001370135.1); short protein forms I215V.
Identifiers: ClinVar variation 1472002 (VCV001472002.7), dbSNP rs2133519678, ClinGen allele CA377279881.

ClinVar aggregate classification (germline): Uncertain significance. Review status: criteria provided, multiple submitters, no conflicts (2 of 4 stars). 2 submissions from 2 submitters: Uncertain significance (2). Last evaluated 2026-05-22.

Conditions:
Genitopatellar syndrome (GTPTS). Also called: Genitopatellar syndrome (GPS); ABSENT PATELLAE, SCROTAL HYPOPLASIA, RENAL ANOMALIES, FACIAL DYSMORPHISM, AND MENTAL RETARDATION. Identifiers: Orphanet 85201, MedGen C1853566, MONDO:0011640, OMIM 606170.

Submissions (2):

Women's Health and Genetics/Laboratory Corporation of America, LabCorp
Classification: Uncertain significance. Last evaluated: 2026-05-22. Review status: criteria provided, single submitter. Criteria: LabCorp Variant Classification Summary - May 2015. Collection method: clinical testing. Allele origin: germline.
Comment: Variant summary: KAT6B c.643A>G (p.Ile215Val) results in a conservative amino acid change located in the first PHD-type zinc finger domain (IPR019787) of the encoded protein sequence. Algorithms developed to predict the effect of missense changes on protein structure and function are either unavailable or do not agree on the potential impact of this missense change. The variant was absent in 251452 control chromosomes. The available data on variant occurrences in the general population are insufficient to allow any conclusion about variant significance. To our knowledge, no occurrence of c.643A>G in individuals affected with KAT6B-related conditions and no experimental evidence demonstrating its impact on protein function have been reported. ClinVar contains an entry for this variant (Variation ID: 1472002). Based on the evidence outlined above, the variant was classified as uncertain significance.

Labcorp Genetics (formerly Invitae), Labcorp
Classification: Uncertain significance for Genitopatellar syndrome. Last evaluated: 2022-12-02. Review status: criteria provided, single submitter. Criteria: Invitae Variant Classification Sherloc (09022015). Collection method: clinical testing. Allele origin: germline.
Comment: In summary, the available evidence is currently insufficient to determine the role of this variant in disease. Therefore, it has been classified as a Variant of Uncertain Significance. Advanced modeling of protein sequence and biophysical properties (such as structural, functional, and spatial information, amino acid conservation, physicochemical variation, residue mobility, and thermodynamic stability) performed at Invitae indicates that this missense variant is not expected to disrupt KAT6B protein function. ClinVar contains an entry for this variant (Variation ID: 1472002). This variant has not been reported in the literature in individuals affected with KAT6B-related conditions. This variant is not present in population databases (gnomAD no frequency). This sequence change replaces isoleucine, which is neutral and non-polar, with valine, which is neutral and non-polar, at codon 215 of the KAT6B protein (p.Ile215Val).